The following is an entry in ClinVar:

ClinVar aggregate classification (germline): Uncertain significance. Review status: criteria provided, multiple submitters, no conflicts (2 of 4 stars). 4 submissions from 4 submitters: Uncertain significance (4). Last evaluated 2026-01-28.

Conditions:
Mitochondrial complex II deficiency, nuclear type 1. Also called: SUCCINATE CoQ REDUCTASE DEFICIENCY. Identifiers: Orphanet 3208, MedGen C5700310, MONDO:0100294, OMIM 252011.
Pheochromocytoma/paraganglioma syndrome 5. Also called: SDHA-Related Hereditary Paraganglioma-Pheochromocytoma Syndrome; Paragangliomas 5. Identifiers: Orphanet 29072, MedGen C3279992, MONDO:0013602, OMIM 614165.
Hereditary cancer-predisposing syndrome. Also called: Neoplastic Syndromes, Hereditary; Hereditary Cancer Syndrome; Tumor predisposition; Hereditary neoplastic syndrome. Identifiers: Orphanet 140162, MedGen C0027672, MeSH D009386, MONDO:0015356.

Allele frequency attached by ClinVar (database versions not stated): gnomAD exomes below 0.00001.
gnomAD v4.1: 1 of 1,610,306 alleles (0.000062%); highest among the groups gnomAD compares: Admixed American, 0.0017%; no homozygotes.

Submissions (4):

Labcorp Genetics (formerly Invitae), Labcorp
Classification: Uncertain significance for Pheochromocytoma/paraganglioma syndrome 5; Mitochondrial complex II deficiency, nuclear type 1. Last evaluated: 2026-01-28. Review status: criteria provided, single submitter. Criteria: Invitae Variant Classification Sherloc (09022015). Collection method: clinical testing. Allele origin: germline.
Comment: This sequence change replaces threonine, which is neutral and polar, with serine, which is neutral and polar, at codon 508 of the SDHA protein (p.Thr508Ser). This variant is present in population databases (no rsID available, gnomAD 0.003%). This variant has not been reported in the literature in individuals affected with SDHA-related conditions. ClinVar contains an entry for this variant (Variation ID: 412374). Invitae Evidence Modeling of protein sequence and biophysical properties (such as structural, functional, and spatial information, amino acid conservation, physicochemical variation, residue mobility, and thermodynamic stability) indicates that this missense variant is not expected to disrupt SDHA protein function with a negative predictive value of 95%. In summary, the available evidence is currently insufficient to determine the role of this variant in disease. Therefore, it has been classified as a Variant of Uncertain Significance.

Ambry Genetics
Classification: Uncertain significance for Hereditary cancer-predisposing syndrome. Last evaluated: 2024-12-04. Review status: criteria provided, single submitter. Criteria: Ambry Variant Classification Scheme 2023. Collection method: clinical testing. Allele origin: germline.
Comment: The p.T508S variant (also known as c.1522A>T), located in coding exon 11 of the SDHA gene, results from an A to T substitution at nucleotide position 1522. The threonine at codon 508 is replaced by serine, an amino acid with similar properties. This amino acid position is highly conserved in available vertebrate species. In addition, the in silico prediction for this alteration is inconclusive. Since supporting evidence is limited at this time, the clinical significance of this alteration remains unclear.

Quest Diagnostics Nichols Institute San Juan Capistrano
Classification: Uncertain significance. Last evaluated: 2023-09-14. Review status: criteria provided, single submitter. Criteria: Quest Diagnostics criteria. Collection method: clinical testing. Allele origin: unknown.
Comment: This variant has not been reported in the published literature. The frequency of this variant in the general population, 0.000004 (1/250470 chromosomes (Genome Aggregation Database)), is uninformative in the assessment of its pathogenicity. Analysis of this variant using bioinformatics tools for the prediction of the effect of amino acid changes on protein structure and function yielded predictions that this variant is benign. Based on the available information, we are unable to determine the clinical significance of this variant.

GeneDx
Classification: Uncertain significance. Last evaluated: 2023-07-17. Review status: criteria provided, single submitter. Criteria: GeneDx Variant Classification Process June 2021. Collection method: clinical testing. Allele origin: germline. Affected: yes.
Comment: Not observed at significant frequency in large population cohorts (gnomAD); In silico analysis supports that this missense variant has a deleterious effect on protein structure/function; Has not been previously published as pathogenic or benign to our knowledge

NM_004168.4(SDHA):c.1522A>T (p.Thr508Ser)

Gene: SDHA (succinate dehydrogenase complex flavoprotein subunit A; plus strand). Cytogenetic location: 5p15.33.
Variant type: single nucleotide variant.
Coding change: c.1522A>T on transcript NM_004168.4 (MANE Select); coding-DNA position 1522, A replaced by T.
Protein change: p.Thr508Ser; replaces threonine 508 with serine.
Molecular consequence: missense variant.
Genome position (GRCh38, 1-based): chr5:240,447, A>T. VCF-style: chr5-240447-A-T. GRCh37 (hg19) VCF-style: chr5-240562-A-T.
Other names: c.1378A>T, p.Thr460Ser (NM_001294332.2); c.1522A>T, p.Thr508Ser (NM_001330758.2); short protein forms T508S, T460S.
Identifiers: ClinVar variation 412374 (VCV000412374.14), dbSNP rs1060503718, ClinGen allele CA16611842.